The following is an entry in ClinVar:

ClinVar aggregate classification (germline): Likely benign. Review status: criteria provided, multiple submitters, no conflicts (2 of 4 stars). 2 submissions from 2 submitters: Likely benign (2). Last evaluated 2025-12-19.

Conditions:
Glutathione synthetase deficiency with 5-oxoprolinuria. Also called: Gluthathione synthetase deficiency; 5-OXOPROLINURIA DUE TO GLUTATHIONE SYNTHETASE DEFICIENCY; PYROGLUTAMIC ACIDURIA; 5-Oxoprolinuria; Reduced glutathione synthetase level. Identifiers: Orphanet 289846, MedGen C0398746, MONDO:0009947, OMIM 266130, HP:0003343.

Allele frequency attached by ClinVar (database versions not stated): gnomAD exomes 0.00001 and 0.00003; ExAC 0.00003; ESP Exome Variant Server 0.00008; gnomAD 0.00018 and 0.00019; TOPMed 0.00022; 1000 Genomes Project 30x 0.00031; 1000 Genomes Project 0.00040.
gnomAD v4.1: 57 of 1,610,508 alleles (0.0035%); highest among the groups gnomAD compares: African/African-American, 0.053%; 1 homozygote.

Submissions (2):

Labcorp Genetics (formerly Invitae), Labcorp
Classification: Likely benign for Glutathione synthetase deficiency with 5-oxoprolinuria. Last evaluated: 2025-12-19. Review status: criteria provided, single submitter. Criteria: Invitae Variant Classification Sherloc (09022015). Collection method: clinical testing. Allele origin: germline.

GeneDx
Classification: Likely benign. Last evaluated: 2018-04-06. Review status: criteria provided, single submitter. Criteria: GeneDx Variant Classification (06012015). Collection method: clinical testing. Allele origin: germline. Affected: yes.
Comment: This variant is considered likely benign or benign based on one or more of the following criteria: it is a conservative change, it occurs at a poorly conserved position in the protein, it is predicted to be benign by multiple in silico algorithms, and/or has population frequency not consistent with disease.

NM_000178.4(GSS):c.1301+14G>C

Gene: GSS (glutathione synthetase; minus strand). Cytogenetic location: 20q11.22.
Variant type: single nucleotide variant.
Coding change: c.1301+14G>C on transcript NM_000178.4 (MANE Select); 14 bases into the intron after coding-DNA position 1301, G replaced by C.
Molecular consequence: intron variant.
Genome position (GRCh38, 1-based): chr20:34,929,387, C>G on the plus strand (G>C on the coding strand, the complement: GSS is on the minus strand). VCF-style: chr20-34929387-C-G. GRCh37 (hg19) VCF-style: chr20-33517190-C-G.
Other names: c.1301+14G>C (NM_001322494.1, NM_001322495.1).
Identifiers: ClinVar variation 680913 (VCV000680913.6), dbSNP rs200219120, ClinGen allele CA9825827.
Genomic context (GRCh38, chr20:34,929,387, plus strand): 5'-CCCCTCTAGGCTGGCTCACTTGGCTGGCACTCTTGCAAGCAGGTAGTGGAAAGAGCTTCT[C>G]CTGATTGGCTCACCTGACATAGACCCCAAAGATGCCCAGCTCTGAAATGCACTGGACCAC-3'